The following is an entry in ClinVar:

ClinVar aggregate classification (germline): Uncertain significance (1 of 4 stars; one submission).

Conditions:
Inborn genetic diseases. Identifiers: MedGen C0950123, MeSH D030342.

gnomAD v4.1: 3 of 1,614,090 alleles (0.00019%); highest among the groups gnomAD compares: Admixed American, 0.0033%; no homozygotes.

Submission:

Ambry Genetics
Classification: Uncertain significance for Inborn genetic diseases. Last evaluated: 2025-05-10. Review status: criteria provided, single submitter. Criteria: Ambry Variant Classification Scheme 2023. Collection method: clinical testing. Allele origin: germline.
Comment: The p.S474G variant (also known as c.1420A>G), located in coding exon 10 of the FANCG gene, results from an A to G substitution at nucleotide position 1420. The serine at codon 474 is replaced by glycine, an amino acid with similar properties. This amino acid position is conserved. In addition, this alteration is predicted to be tolerated by in silico analysis. Based on the available evidence, the clinical significance of this variant remains unclear.

NM_004629.2(FANCG):c.1420A>G (p.Ser474Gly)

Gene: FANCG (FA complementation group G; minus strand). Cytogenetic location: 9p13.3.
Variant type: single nucleotide variant.
Coding change: c.1420A>G on transcript NM_004629.2 (MANE Select); coding-DNA position 1420, A replaced by G.
Protein change: p.Ser474Gly; replaces serine 474 with glycine.
Molecular consequence: missense variant.
Genome position (GRCh38, 1-based): chr9:35,075,478, T>C on the plus strand (A>G on the coding strand, the complement: FANCG is on the minus strand). VCF-style: chr9-35075478-T-C. GRCh37 (hg19) VCF-style: chr9-35075475-T-C.
Other names: short protein forms S474G.
Identifiers: ClinVar variation 4022514 (VCV004022514.1).
Genomic context (GRCh38, chr9:35,075,478, plus strand): 5'-AATCAGAAAATCATCCCTCCACACCCCCTCTAGGACCCCGGGCTCACCTGCTAAATTCAC[T>C]AATTGCCACTTTTTGGGCACCCAGTTGAACCCAGGCCTGGCCCTGAAGCAGGTGGGTGGC-3'
Protein context (NP_004620.1, residues 464-484): VQLGAQKVAI[Ser474Gly]EFSRCLELLF